The following is an entry in ClinVar:

ClinVar aggregate classification (germline): Conflicting classifications of pathogenicity. Review status: criteria provided, conflicting classifications (1 of 4 stars). 2 submissions from 2 submitters: Uncertain significance (1); Benign (1). Last evaluated 2025-12-08.

Conditions:
Cardiovascular phenotype. Identifiers: MedGen CN230736.
Progressive familial heart block type IB (PFHB1B). Identifiers: Orphanet 871, MedGen C1970298, MONDO:0011474, OMIM 604559.

Allele frequency attached by ClinVar (database versions not stated): gnomAD 0.00005; TOPMed 0.00006; ExAC 0.00007; 1000 Genomes Project 30x 0.00016; 1000 Genomes Project 0.00020.

Submissions (2):

Labcorp Genetics (formerly Invitae), Labcorp
Classification: Benign for Progressive familial heart block type IB. Last evaluated: 2025-12-08. Review status: criteria provided, single submitter. Criteria: Invitae Variant Classification Sherloc (09022015). Collection method: clinical testing. Allele origin: germline.

Ambry Genetics
Classification: Uncertain significance for Cardiovascular phenotype. Last evaluated: 2025-01-22. Review status: criteria provided, single submitter. Criteria: Ambry Variant Classification Scheme 2023. Collection method: clinical testing. Allele origin: germline.
Comment: The p.T160M variant (also known as c.479C>T), located in coding exon 5 of the TRPM4 gene, results from a C to T substitution at nucleotide position 479. The threonine at codon 160 is replaced by methionine, an amino acid with similar properties. This amino acid position is poorly conserved in available vertebrate species. In addition, this alteration is predicted to be tolerated by in silico analysis. Since supporting evidence is limited at this time, the clinical significance of this alteration remains unclear.

NM_017636.4(TRPM4):c.479C>T (p.Thr160Met)

Gene: TRPM4 (transient receptor potential cation channel subfamily M member 4; plus strand). Cytogenetic location: 19q13.33.
Variant type: single nucleotide variant.
Coding change: c.479C>T on transcript NM_017636.4 (MANE Select); coding-DNA position 479, C replaced by T.
Protein change: p.Thr160Met; replaces threonine 160 with methionine.
Molecular consequence: missense variant. On other transcripts: 5 prime UTR variant (2), intron variant (2).
Genome position (GRCh38, 1-based): chr19:49,168,290, C>T. VCF-style: chr19-49168290-C-T. GRCh37 (hg19) VCF-style: chr19-49671547-C-T.
Other names: c.479C>T, p.Thr160Met (NM_001195227.2); c.-1075C>T (NM_001321282.2); c.-44C>T (NM_001321283.2); c.268-263C>T (NM_001321281.2); c.-237-263C>T (NM_001321285.2); short protein forms T160M.
Identifiers: ClinVar variation 1743158 (VCV001743158.9), dbSNP rs372477657, ClinGen allele CA9568841.